The following is an entry in ClinVar:

NM_020631.6(PLEKHG5):c.550C>T (p.Arg184Cys)

Gene: PLEKHG5 (pleckstrin homology and RhoGEF domain containing G5; minus strand). Cytogenetic location: 1p36.31.
Variant type: single nucleotide variant.
Coding change: c.550C>T on transcript NM_020631.6 (MANE Select); coding-DNA position 550, C replaced by T.
Protein change: p.Arg184Cys; replaces arginine 184 with cysteine.
Molecular consequence: missense variant.
Genome position (GRCh38, 1-based): chr1:6,474,054, G>A on the plus strand (C>T on the coding strand, the complement: PLEKHG5 is on the minus strand). VCF-style: chr1-6474054-G-A. GRCh37 (hg19) VCF-style: chr1-6534114-G-A.
Other names: c.661C>T, p.Arg221Cys (NM_001042663.3, NM_001265592.2); c.550C>T, p.Arg184Cys (NM_001042664.2, NM_001042665.2, NM_001265594.3 and 1 more transcripts); c.757C>T, p.Arg253Cys (NM_001265593.2); short protein forms R184C, R253C, R221C.
Identifiers: ClinVar variation 851905 (VCV000851905.8), dbSNP rs760118221, ClinGen allele CA561813.
Genomic context (GRCh38, chr1:6,474,054, plus strand): 5'-CACACCCCCTCCTCCTCACCAAGATGTCCAGGCTCTCCCGGCGGCTCTGGGCGTCCACAC[G>A]CTCCAGGGCGGGGGGCCCGGTCCCAGCTGGCCGCAGAATCGGCAAACTCAGGGACTTGGA-3'
Protein context (NP_065682.2, residues 174-194): PAGTGPPALE[Arg184Cys]VDAQSRRESL

ClinVar aggregate classification (germline): Uncertain significance. Review status: criteria provided, multiple submitters, no conflicts (2 of 4 stars). 2 submissions from 2 submitters: Uncertain significance (2). Last evaluated 2024-10-08.

Conditions:
Inborn genetic diseases. Identifiers: MedGen C0950123, MeSH D030342.
Neuronopathy, distal hereditary motor, autosomal recessive 4. Also called: NEUROPATHY, DISTAL HEREDITARY MOTOR, AUTOSOMAL RECESSIVE 4; Autosomal recessive lower motor neuron disease with childhood onset. Identifiers: Orphanet 206580, MedGen C1970211, MONDO:0012608, OMIM 611067.
Charcot-Marie-Tooth disease recessive intermediate C. Also called: CHARCOT-MARIE-TOOTH NEUROPATHY, RECESSIVE INTERMEDIATE C. Identifiers: Orphanet 369867, MedGen C3809309, MONDO:0014154, OMIM 615376.

Allele frequency attached by ClinVar (database versions not stated): ExAC 0.00001; gnomAD 0.00001; gnomAD exomes 0.00001 and 0.00002; TOPMed 0.00002.
gnomAD v4.1: 15 of 1,413,178 alleles (0.0011%); highest among the groups gnomAD compares: South Asian, 0.011%; 1 homozygote.

Submissions (2):

Ambry Genetics
Classification: Uncertain significance for Inborn genetic diseases. Last evaluated: 2024-10-08. Review status: criteria provided, single submitter. Criteria: Ambry Variant Classification Scheme 2023. Collection method: clinical testing. Allele origin: germline.

Labcorp Genetics (formerly Invitae), Labcorp
Classification: Uncertain significance for Neuronopathy, distal hereditary motor, autosomal recessive 4; Charcot-Marie-Tooth disease recessive intermediate C. Last evaluated: 2021-08-27. Review status: criteria provided, single submitter. Criteria: Invitae Variant Classification Sherloc (09022015). Collection method: clinical testing. Allele origin: germline.
Comment: This sequence change replaces arginine with cysteine at codon 184 of the PLEKHG5 protein (p.Arg184Cys). The arginine residue is moderately conserved and there is a large physicochemical difference between arginine and cysteine. This variant is present in population databases (rs760118221, ExAC 0.02%). This variant has not been reported in the literature in individuals affected with PLEKHG5-related conditions. Algorithms developed to predict the effect of missense changes on protein structure and function are either unavailable or do not agree on the potential impact of this missense change (SIFT: "Deleterious"; PolyPhen-2: "Benign"; Align-GVGD: "Class C0"). In summary, the available evidence is currently insufficient to determine the role of this variant in disease. Therefore, it has been classified as a Variant of Uncertain Significance.